The following is an entry in ClinVar:

NM_001375567.1(FOCAD):c.494+5del

Gene: FOCAD (focadhesin; plus strand). Cytogenetic location: 9p21.3.
Variant type: Deletion.
Coding change: c.494+5del on transcript NM_001375567.1 (MANE Select); 5 bases into the intron after coding-DNA position 494, one base deleted (T; older notation c.494+5delT).
Molecular consequence: intron variant.
Genome position (GRCh38, 1-based): chr9:20,758,196, T deleted. VCF-style (leftmost placement, unchanged base first): chr9-20758195-AT-A. GRCh37 (hg19) VCF-style: chr9-20758194-AT-A.
Other names: c.494+5del (NM_017794.5, NM_001375568.1); c.389+5del (NM_001375570.1).
Identifiers: ClinVar variation 3031985 (VCV003031985.5), dbSNP rs770833616, ClinGen allele CA5006364.

ClinVar aggregate classification (germline): Conflicting classifications of pathogenicity. Review status: criteria provided, conflicting classifications (1 of 4 stars). 3 submissions from 3 submitters: Uncertain significance (1); Likely benign (1). 1 of the submissions does not count toward it. Last evaluated 2024-08-07.

Conditions:
FOCAD-related disorder. Also called: FOCAD-related condition.

Allele frequency attached by ClinVar (database versions not stated): gnomAD 0.00001; TOPMed 0.00001; ExAC 0.00002; gnomAD exomes 0.00005.

Submissions (3):

Labcorp Genetics (formerly Invitae), Labcorp
Classification: Uncertain significance. Last evaluated: 2024-08-07. Review status: criteria provided, single submitter. Criteria: Invitae Variant Classification Sherloc (09022015). Collection method: clinical testing. Allele origin: germline.
Comment: This sequence change falls in intron 8 of the FOCAD gene. It does not directly change the encoded amino acid sequence of the FOCAD protein. It affects a nucleotide within the consensus splice site. This variant is present in population databases (rs770833616, gnomAD 0.003%). This variant has not been reported in the literature in individuals affected with FOCAD-related conditions. Variants that disrupt the consensus splice site are a relatively common cause of aberrant splicing (PMID: 17576681, 9536098). In summary, the available evidence is currently insufficient to determine the role of this variant in disease. Therefore, it has been classified as a Variant of Uncertain Significance.

Blueprint Genetics
Classification: Likely benign. Last evaluated: 2024-04-08. Review status: criteria provided, single submitter. Criteria: ACMG Guidelines, 2015. Collection method: clinical testing. Allele origin: germline.

PreventionGenetics, part of Exact Sciences
Classification: Likely benign for FOCAD-related condition. Last evaluated: 2020-08-25. Review status: no assertion criteria provided. Collection method: clinical testing. Allele origin: germline. Not counted in ClinVar's aggregate classification.
Comment: This variant is classified as likely benign based on ACMG/AMP sequence variant interpretation guidelines (Richards et al. 2015 PMID: 25741868, with internal and published modifications).

Literature cited by the submitters: PubMed 17576681 (cited by Labcorp Genetics (formerly Invitae), Labcorp); PubMed 9536098 (cited by Labcorp Genetics (formerly Invitae), Labcorp).